The following is an entry in ClinVar:

NM_004036.5(ADCY3):c.2577C>T (p.His859=)

Gene: ADCY3 (adenylate cyclase 3; minus strand). Cytogenetic location: 2p23.3.
Variant type: single nucleotide variant.
Coding change: c.2577C>T on transcript NM_004036.5 (MANE Select); coding-DNA position 2577, C replaced by T.
Protein change: p.His859=; no amino-acid change (histidine 859 retained).
Molecular consequence: synonymous variant. On other transcripts: intron variant (1).
Genome position (GRCh38, 1-based): chr2:24,826,045, G>A on the plus strand (C>T on the coding strand, the complement: ADCY3 is on the minus strand). VCF-style: chr2-24826045-G-A. GRCh37 (hg19) VCF-style: chr2-25048914-G-A.
Other names: c.2580C>T (NM_001320613.1); c.2580C>T, p.His860= (NM_001320613.2); c.2643C>T, p.His881= (NM_001377128.1); c.2439C>T, p.His813= (NM_001377129.1); c.1854C>T, p.His618= (NM_001377131.1); c.2577C>T, p.His859= (NM_001377132.1); c.2173-1509C>T (NM_001377130.1).
Identifiers: ClinVar variation 2170360 (VCV002170360.5), dbSNP rs147136309, ClinGen allele CA1553698.
Genomic context (GRCh38, chr2:24,826,045, plus strand): 5'-CTTCTCAGGAGGCCCTGTGGGCTGTGGGCACAGAGCGGGGATCGTGCAGGCGGCACTCAC[G>A]TGGCGGGAGAAGTAGTAGAAGCTGAGCATCATGAGGAACACCATCACCGTCATAGAGTAC-3'
Protein context (NP_004027.2, residues 849-869): MMLSFYYFSR[His859=]VEKLARTLFL

ClinVar aggregate classification (germline): Uncertain significance. Review status: criteria provided, single submitter (1 of 4 stars). 2 submissions from 2 submitters: Uncertain significance (1). 1 of the submissions does not count toward it. Last evaluated 2022-03-04.

Conditions:
ADCY3-related disorder. Also called: ADCY3-related condition.

Allele frequency attached by ClinVar (database versions not stated): gnomAD exomes 0.00002; ExAC 0.00005; gnomAD 0.00005; TOPMed 0.00006; ESP Exome Variant Server 0.00008.
gnomAD v4.1: 39 of 1,613,864 alleles (0.0024%); highest among the groups gnomAD compares: East Asian, 0.016%; no homozygotes.

Submissions (2):

Labcorp Genetics (formerly Invitae), Labcorp
Classification: Uncertain significance. Last evaluated: 2022-03-04. Review status: criteria provided, single submitter. Criteria: Invitae Variant Classification Sherloc (09022015). Collection method: clinical testing. Allele origin: germline.
Comment: This variant is present in population databases (rs147136309, gnomAD 0.04%). In summary, the available evidence is currently insufficient to determine the role of this variant in disease. Therefore, it has been classified as a Variant of Uncertain Significance. Algorithms developed to predict the effect of sequence changes on RNA splicing suggest that this variant is not likely to affect RNA splicing. This variant has not been reported in the literature in individuals affected with ADCY3-related conditions. This sequence change affects codon 859 of the ADCY3 mRNA. It is a 'silent' change, meaning that it does not change the encoded amino acid sequence of the ADCY3 protein. It affects a nucleotide within the consensus splice site.

PreventionGenetics, part of Exact Sciences
Classification: Likely benign for ADCY3-related condition. Last evaluated: 2020-08-13. Review status: no assertion criteria provided. Collection method: clinical testing. Allele origin: germline. Not counted in ClinVar's aggregate classification.
Comment: This variant is classified as likely benign based on ACMG/AMP sequence variant interpretation guidelines (Richards et al. 2015 PMID: 25741868, with internal and published modifications).